The following is an entry in ClinVar:

NM_003401.5(XRCC4):c.640G>A (p.Glu214Lys)

Gene: XRCC4 (X-ray repair cross complementing 4; plus strand). Cytogenetic location: 5q14.2.
Variant type: single nucleotide variant.
Coding change: c.640G>A on transcript NM_003401.5 (MANE Select); coding-DNA position 640, G replaced by A.
Protein change: p.Glu214Lys; replaces glutamic acid 214 with lysine.
Molecular consequence: missense variant.
Genome position (GRCh38, 1-based): chr5:83,204,816, G>A. VCF-style: chr5-83204816-G-A. GRCh37 (hg19) VCF-style: chr5-82500635-G-A.
Other names: c.640G>A, p.Glu214Lys (NM_001318012.3, NM_001318013.2, NM_022406.5 and 1 more transcripts); c.640G>A (NM_022406.2); short protein forms E214K.
Identifiers: ClinVar variation 690381 (VCV000690381.5), dbSNP rs746407658, ClinGen allele CA3332226.

ClinVar aggregate classification (germline): Uncertain significance. Review status: criteria provided, multiple submitters, no conflicts (2 of 4 stars). 4 submissions from 4 submitters: Uncertain significance (4). Last evaluated 2025-06-16.

Conditions:
Short stature, microcephaly, and endocrine dysfunction (SSMED). Identifiers: Orphanet 436182, MedGen C4225288, MONDO:0014686, OMIM 616541.
Inborn genetic diseases. Identifiers: MedGen C0950123, MeSH D030342.

Allele frequency attached by ClinVar (database versions not stated): gnomAD 0.00012; TOPMed 0.00013; gnomAD exomes 0.00001 and 0.00003; ExAC 0.00003.
gnomAD v4.1: 36 of 1,605,010 alleles (0.0022%); highest among the groups gnomAD compares: African/African-American, 0.04%; no homozygotes.

Submissions (4):

Ambry Genetics
Classification: Uncertain significance for Inborn genetic diseases. Last evaluated: 2025-06-16. Review status: criteria provided, single submitter. Criteria: Ambry Variant Classification Scheme 2023. Collection method: clinical testing. Allele origin: germline.

Labcorp Genetics (formerly Invitae), Labcorp
Classification: Uncertain significance. Last evaluated: 2022-10-18. Review status: criteria provided, single submitter. Criteria: Invitae Variant Classification Sherloc (09022015). Collection method: clinical testing. Allele origin: germline.
Comment: This sequence change replaces glutamic acid, which is acidic and polar, with lysine, which is basic and polar, at codon 214 of the XRCC4 protein (p.Glu214Lys). This variant is present in population databases (rs746407658, gnomAD 0.04%). This variant has not been reported in the literature in individuals affected with XRCC4-related conditions. ClinVar contains an entry for this variant (Variation ID: 690381). Algorithms developed to predict the effect of missense changes on protein structure and function are either unavailable or do not agree on the potential impact of this missense change (SIFT: "Not Available"; PolyPhen-2: "Probably Damaging"; Align-GVGD: "Not Available"). In summary, the available evidence is currently insufficient to determine the role of this variant in disease. Therefore, it has been classified as a Variant of Uncertain Significance.

Fulgent Genetics
Classification: Uncertain significance for Short stature, microcephaly, and endocrine dysfunction. Last evaluated: 2021-12-07. Review status: criteria provided, single submitter. Criteria: ACMG Guidelines, 2015. Collection method: clinical testing. Allele origin: unknown.

HudsonAlpha Institute for Biotechnology
Classification: Uncertain significance for Short stature, microcephaly, and endocrine dysfunction. Last evaluated: 2019-04-16. Review status: criteria provided, single submitter. Criteria: ACMG Guidelines, 2015. Collection method: research. Allele origin: unknown. Observed: 1 variant allele. Study: HudsonAlpha-AGHI-WGS.